The following is an entry in ClinVar:

ClinVar aggregate classification (germline): Uncertain significance. Review status: criteria provided, multiple submitters, no conflicts (2 of 4 stars). 2 submissions from 2 submitters: Uncertain significance (2). Last evaluated 2026-06-01.

Conditions:
RLBP1-related disorder. Also called: RLBP1-related condition; RLBP1-related disorders. Identifiers: MedGen CN239413.

Allele frequency attached by ClinVar (database versions not stated): gnomAD 0.00002 and 0.00003; gnomAD exomes 0.00002 and 0.00003; TOPMed 0.00003; ExAC 0.00005; ESP Exome Variant Server 0.00015; 1000 Genomes Project 30x 0.00016; 1000 Genomes Project 0.00020.
gnomAD v4.1: 41 of 1,614,056 alleles (0.0025%); highest among the groups gnomAD compares: South Asian, 0.0099%; no homozygotes.

Submissions (2):

PreventionGenetics, part of Exact Sciences
Classification: Uncertain significance for RLBP1-related condition. Last evaluated: 2026-06-01. Review status: criteria provided, single submitter. Criteria: ACMG Guidelines, 2015. Collection method: clinical testing. Allele origin: germline.
Comment: The RLBP1 c.125G>A variant is predicted to result in the amino acid substitution p.Arg42His. To our knowledge, this variant has not been reported in the literature. This variant is reported in 0.016% of alleles in individuals of South Asian descent in gnomAD. At this time, the clinical significance of this variant is uncertain due to the absence of conclusive functional and genetic evidence.

Labcorp Genetics (formerly Invitae), Labcorp
Classification: Uncertain significance. Last evaluated: 2022-03-18. Review status: criteria provided, single submitter. Criteria: Invitae Variant Classification Sherloc (09022015). Collection method: clinical testing. Allele origin: germline.
Comment: This sequence change replaces arginine, which is basic and polar, with histidine, which is basic and polar, at codon 42 of the RLBP1 protein (p.Arg42His). This variant is present in population databases (rs142495448, gnomAD 0.02%). This variant has not been reported in the literature in individuals affected with RLBP1-related conditions. Algorithms developed to predict the effect of missense changes on protein structure and function (SIFT, PolyPhen-2, Align-GVGD) all suggest that this variant is likely to be tolerated. In summary, the available evidence is currently insufficient to determine the role of this variant in disease. Therefore, it has been classified as a Variant of Uncertain Significance.

NM_000326.5(RLBP1):c.125G>A (p.Arg42His)

Gene: RLBP1 (retinaldehyde binding protein 1; minus strand). Cytogenetic location: 15q26.1.
Variant type: single nucleotide variant.
Coding change: c.125G>A on transcript NM_000326.5 (MANE Select); coding-DNA position 125, G replaced by A.
Protein change: p.Arg42His; replaces arginine 42 with histidine.
Molecular consequence: missense variant.
Genome position (GRCh38, 1-based): chr15:89,218,581, C>T on the plus strand (G>A on the coding strand, the complement: RLBP1 is on the minus strand). VCF-style: chr15-89218581-C-T. GRCh37 (hg19) VCF-style: chr15-89761812-C-T.
Other names: c.125G>A (NM_000326.4); short protein forms R42H.
Identifiers: ClinVar variation 1403915 (VCV001403915.4), dbSNP rs142495448, ClinGen allele CA7722389.